The following is an entry in ClinVar:

ClinVar aggregate classification (germline): Uncertain significance. Review status: criteria provided, multiple submitters, no conflicts (2 of 4 stars). 3 submissions from 3 submitters: Uncertain significance (2). 1 of the submissions does not count toward it. Last evaluated 2020-10-22.

Conditions:
Cystic fibrosis (CF). Also called: MUCOVISCIDOSIS. Identifiers: Orphanet 586, MedGen C0010674, MONDO:0009061, OMIM 219700. Disease mechanism: loss of function.
CFTR-related disorder (CFTR-RD). Also called: CFTR-related condition; CFTR-related disorders. Identifiers: MedGen C5924204, MONDO:7770004.

Submissions (3):

Ambry Genetics
Classification: Uncertain significance for Cystic fibrosis. Last evaluated: 2020-10-22. Review status: criteria provided, single submitter. Criteria: Ambry Variant Classification Scheme 2023. Collection method: clinical testing. Allele origin: germline.
Comment: The p.S895G variant (also known as c.2683A>G), located in coding exon 17 of the CFTR gene, results from an A to G substitution at nucleotide position 2683. The serine at codon 895 is replaced by glycine, an amino acid with similar properties. This amino acid position is poorly conserved in available vertebrate species. In addition, this alteration is predicted to be tolerated by in silico analysis. Since supporting evidence is limited at this time, the clinical significance of this alteration remains unclear.

Labcorp Genetics (formerly Invitae), Labcorp
Classification: Uncertain significance for Cystic fibrosis. Last evaluated: 2019-12-27. Review status: criteria provided, single submitter. Criteria: Invitae Variant Classification Sherloc (09022015). Collection method: clinical testing. Allele origin: germline.
Comment: In summary, the available evidence is currently insufficient to determine the role of this variant in disease. Therefore, it has been classified as a Variant of Uncertain Significance. Algorithms developed to predict the effect of missense changes on protein structure and function output the following: SIFT: "Tolerated"; PolyPhen-2: "Benign"; Align-GVGD: "Class C0". The glycine amino acid residue is found in multiple mammalian species, suggesting that this missense change does not adversely affect protein function. These predictions have not been confirmed by published functional studies and their clinical significance is uncertain. This variant has not been reported in the literature in individuals with CFTR-related conditions. This variant is not present in population databases (ExAC no frequency). This sequence change replaces serine with glycine at codon 895 of the CFTR protein (p.Ser895Gly). The serine residue is weakly conserved and there is a small physicochemical difference between serine and glycine.

Natera, Inc.
Classification: Uncertain significance for CFTR-related disorders. Last evaluated: 2025-03-24. Review status: no assertion criteria provided. Collection method: clinical testing. Allele origin: germline. Not counted in ClinVar's aggregate classification.

NM_000492.4(CFTR):c.2683A>G (p.Ser895Gly)

Gene: CFTR (CF transmembrane conductance regulator; plus strand). Cytogenetic location: 7q31.2.
Variant type: single nucleotide variant.
Coding change: c.2683A>G on transcript NM_000492.4 (MANE Select); coding-DNA position 2683, A replaced by G.
Protein change: p.Ser895Gly; replaces serine 895 with glycine.
Molecular consequence: missense variant.
Genome position (GRCh38, 1-based): chr7:117,603,557, A>G. VCF-style: chr7-117603557-A-G. GRCh37 (hg19) VCF-style: chr7-117243611-A-G.
Other names: short protein forms S895G.
Identifiers: ClinVar variation 859904 (VCV000859904.12), dbSNP rs1792256745, ClinGen allele CA368986423.